The following is an entry in ClinVar:

ClinVar aggregate classification (germline): Conflicting classifications of pathogenicity. Review status: criteria provided, conflicting classifications (1 of 4 stars). 19 submissions from 19 submitters: Uncertain significance (8); Likely benign (4). 7 of the submissions do not count toward it. Last evaluated 2026-04-01.

Conditions:
ABCA4-related disorder. Also called: ABCA4-related condition; ABCA4-related disorders. Identifiers: MedGen CN239167.
Inborn genetic diseases. Identifiers: MedGen C0950123, MeSH D030342.
Retinal dystrophy. Also called: Inherited retinal dystrophy. Identifiers: Orphanet 71862, MedGen C0854723, MeSH D058499, MONDO:0019118, HP:0000556.
Severe early-childhood-onset retinal dystrophy (STGD1). Also called: MACULAR DYSTROPHY WITH FLECKS, TYPE 1; STGD; Stargardt macular dystrophy; Juvenile onset macular degeneration; Stargardt disease 1. Identifiers: Orphanet 364055, Orphanet 827, MedGen C1855465, MeSH D000080362, MONDO:0009549, OMIM 248200.
Cone-rod dystrophy 3 (CORD3). Identifiers: Orphanet 1872, MedGen C1858806, MONDO:0011395, OMIM 604116.
Age related macular degeneration 2. Also called: MACULAR DEGENERATION, SENILE; MACULOPATHY, AGE-RELATED, 2; MACULOPATHY, AGE-RELATED. Identifiers: MedGen C3495438, MONDO:0007932, OMIM 153800.
Retinitis pigmentosa 19 (RP19). Also called: ABCA4-Related Retinitis Pigmentosa. Identifiers: Orphanet 791, MedGen C1866422, MONDO:0011137, OMIM 601718.
Abnormal retinal morphology. Identifiers: MedGen C0035300, HP:0000479.

Allele frequency attached by ClinVar (database versions not stated): ESP Exome Variant Server 0.00108; ExAC 0.00131; gnomAD exomes 0.00147 and 0.00196; gnomAD 0.00212 and 0.00222; 1000 Genomes Project 0.00240; TOPMed 0.00262; 1000 Genomes Project 30x 0.00265.
gnomAD v4.1: 3,215 of 1,614,124 alleles (0.2%); highest among the groups gnomAD compares: Admixed American, 0.57%; 11 homozygotes.

Submissions 1 to 15 of 19:

CeGaT Center for Human Genetics Tuebingen
Classification: Likely benign. Last evaluated: 2026-04-01. Review status: criteria provided, single submitter. Criteria: CeGaT Center For Human Genetics Tuebingen Variant Classification Criteria Version 2. Collection method: clinical testing. Allele origin: germline. Affected: yes. Observed: 10 variant alleles.
Comment: ABCA4: BP4, BS2

Labcorp Genetics (formerly Invitae), Labcorp
Classification: Likely benign. Last evaluated: 2026-02-01. Review status: criteria provided, single submitter. Criteria: Invitae Variant Classification Sherloc (09022015). Collection method: clinical testing. Allele origin: germline.

3billion
Classification: Uncertain significance for Retinitis pigmentosa 19. Last evaluated: 2025-12-23. Review status: criteria provided, single submitter. Criteria: ACMG Guidelines, 2015. Collection method: clinical testing. Allele origin: germline. Affected: yes.
Comment: The variant is observed in the gnomAD v4.1.0 dataset (total allele frequency: 0.199%). Predicted Consequence/Location: Missense variant The variant has been reported as benign without evidence for the classification (ClinVar ID: VCV000099310). Therefore, this variant is classified as VUS according to the recommendation of ACMG/AMP guideline.

Blueprint Genetics
Classification: Likely benign. Last evaluated: 2024-11-20. Review status: criteria provided, single submitter. Criteria: ACMG Guidelines, 2015. Collection method: clinical testing. Allele origin: germline.

ARUP Laboratories, Molecular Genetics and Genomics, ARUP Laboratories
Classification: Uncertain significance. Last evaluated: 2021-08-20. Review status: criteria provided, single submitter. Criteria: ARUP Molecular Germline Variant Investigation Process 2021. Collection method: clinical testing. Allele origin: germline.
Comment: The ABCA4 c.466A>G; p.Ile156Val variant (rs62646863) is reported in the literature in individuals affected with retinis pigmentosa, Stargardt disease, or another retinopathy, though it has not been demonstrated to be disease-causing (Ducroq 2002, Oldani 2012, Papaioannou 2000, Passerini 2010, Riveiro-Alvarez 2009, Valverde 2007). While this variant has been described in an affected individual with a second pathogenic variant (Ducroq 2002), it has also been described in healthy controls (Riveiro-Alvarez 2009) and in affected individuals carrying two other pathogenic variants that could explain their symptoms (Oldani 2012, Passerini 2010). The p.Ile156Val variant is found in the Latino population with an overall allele frequency of 0.33% (117/35438 alleles, including one homozygote) in the Genome Aggregation Database. The isoleucine at codon 156 is moderately conserved and computational analyses (SIFT, PolyPhen-2) predict that this variant is tolerated. However, due to conflicting information, the clinical significance of the p.Ile156Val variant is uncertain at this time. References: Ducroq D et al. The ABCA4 gene in autosomal recessive cone-rod dystrophies. Am J Hum Genet. 2002 Dec;71(6):1480-2. Oldani M et al. Clinical and molecular genetic study of 12 Italian families with autosomal recessive Stargardt disease. Genet Mol Res. 2012 Dec 17;11(4):4342-50. Papaioannou M et al. An analysis of ABCR mutations in British patients with recessive retinal dystrophies. Invest Ophthalmol Vis Sci. 2000 Jan;41(1):16-9. Passerini I et al. Novel mutations in of the ABCR gene in Italian patients with Stargardt disease. Eye (Lond). 2010 Jan;24(1):158-64. Riveiro-Alvarez R et al. Frequency of ABCA4 mutations in 278 Spanish controls: an insight into the prevalence of autosomal recessive Stargardt disease. Br J Ophthalmol. 2009 Oct;93(10):1359-64. Valverde D et al. Spectrum of the ABCA4 gene mutations implicated in severe retinopathies in Spanish patients. Invest Ophthalmol Vis Sci. 2007 Mar;48(3):985-90.

GeneDx
Classification: Uncertain significance. Last evaluated: 2018-11-09. Review status: criteria provided, single submitter. Criteria: GeneDx Variant Classification (06012015). Collection method: clinical testing. Allele origin: germline. Affected: yes.
Comment: The I156V variant has been reported in a patient diagnosed with Stargardt disease and was absent from 96 control alleles (Papaioannou et al., 2000). The I156V variant has also been reported as a polymorphism (Riveiro-Alvarez et al.,2009). The NHLBI Exome Sequencing Project and the 1000 Genomes Project reports that I156V was observed in 13/8600 alleles from individuals of European background, in 1/28 alleles from individuals of Spanish background and in 2/196 alleles from individuals of Italian background indicating it may be a rare benign variant in the European population. The I156V variant is a conservative amino acid substitution, which is not likely to impact secondary protein structure as these residues share similar properties. This substitution occurs at a position that is not conserved across species. In silico analysis is inconsistent in its predictions as to whether or not the variant is damaging to the protein structure/function. Missense variants in nearby residues (R152Q, I153L, E161K, G172S) have been reported in the Human Gene Mutation Database in association with ABCA4-related disorders (Stenson et al., 2014), supporting the functional importance of this region of the protein. Therefore, based on the currently available information, it is unclear whether this variant is a pathogenic mutation or a rare benign variant.

Fulgent Genetics
Classification: Uncertain significance for Age related macular degeneration 2; Severe early-childhood-onset retinal dystrophy; Retinitis pigmentosa 19; Cone-rod dystrophy 3. Last evaluated: 2018-10-31. Review status: criteria provided, single submitter. Criteria: ACMG Guidelines, 2015. Collection method: clinical testing. Allele origin: unknown.

Illumina Laboratory Services, Illumina
Classification: Likely benign for ABCA4-Related Disorders. Last evaluated: 2017-04-27. Review status: criteria provided, single submitter. Criteria: ICSL Variant Classification Criteria 13 December 2019. Collection method: clinical testing. Allele origin: germline.
Comment: This variant was observed as part of a predisposition screen in an ostensibly healthy population. A literature search was performed for the gene, cDNA change, and amino acid change (where applicable). No publications were found based on this search. Allele frequency data from public databases allowed determination this variant is unlikely to cause disease. Therefore, this variant is classified as likely benign.

Centre for Mendelian Genomics, University Medical Centre Ljubljana
Classification: Uncertain significance for Abnormal retinal morphology. Last evaluated: 2017-01-01. Review status: criteria provided, single submitter. Criteria: ACMG Guidelines, 2015. Collection method: clinical testing. Allele origin: unknown. Affected: yes.

Eurofins Ntd Llc (ga)
Classification: Uncertain significance. Last evaluated: 2016-10-27. Review status: criteria provided, single submitter. Criteria: EGL Classification Definitions 2015. Collection method: clinical testing. Allele origin: germline. Observed: 3 variant alleles, 3 heterozygotes.

Ambry Genetics
Classification: Uncertain significance for Inborn genetic diseases. Last evaluated: 2015-08-07. Review status: criteria provided, single submitter. Criteria: Ambry exome assertion method (8-5-2015). Collection method: clinical testing. Allele origin: germline. Affected: yes. Observed: 1 variant allele.

Institute of Human Genetics, Univ. Regensburg, Univ. Regensburg
Classification: Uncertain significance for Retinal dystrophy. Last evaluated: 2012-01-01. Review status: criteria provided, single submitter. Criteria: ACMG Guidelines, 2015. Collection method: clinical testing. Allele origin: germline. Affected: yes.

PreventionGenetics, part of Exact Sciences
Classification: Likely benign for ABCA4-related condition. Last evaluated: 2019-10-04. Review status: no assertion criteria provided. Collection method: clinical testing. Allele origin: germline. Not counted in ClinVar's aggregate classification.
Comment: This variant is classified as likely benign based on ACMG/AMP sequence variant interpretation guidelines (Richards et al. 2015 PMID: 25741868, with internal and published modifications).

NIHR Bioresource Rare Diseases, University of Cambridge
Classification: Likely benign for Macular Degeneration, Juvenile. Last evaluated: 2015-01-01. Review status: no assertion criteria provided. Collection method: research. Allele origin: unknown. Affected: yes. Observed: 1 variant allele. Not counted in ClinVar's aggregate classification.

Clinical Genetics DNA and cytogenetics Diagnostics Lab, Erasmus MC, Erasmus Medical Center
Classification: Likely benign. Review status: no assertion criteria provided. Collection method: clinical testing. Allele origin: germline. Affected: yes. Study: VKGL Data-share Consensus. Not counted in ClinVar's aggregate classification.

NM_000350.3(ABCA4):c.466A>G (p.Ile156Val)

Gene: ABCA4 (ATP binding cassette subfamily A member 4; minus strand). Cytogenetic location: 1p22.1.
Variant type: single nucleotide variant.
Coding change: c.466A>G on transcript NM_000350.3 (MANE Select); coding-DNA position 466, A replaced by G.
Protein change: p.Ile156Val; replaces isoleucine 156 with valine.
Molecular consequence: missense variant.
Genome position (GRCh38, 1-based): chr1:94,103,119, T>C on the plus strand (A>G on the coding strand, the complement: ABCA4 is on the minus strand). VCF-style: chr1-94103119-T-C. GRCh37 (hg19) VCF-style: chr1-94568675-T-C.
Other names: c.466A>G, p.Ile156Val (NM_001425324.1); short protein forms I156V.
Identifiers: ClinVar variation 99310 (VCV000099310.74), dbSNP rs62646863, ClinGen allele CA227225.